The following is an entry in ClinVar:

NM_000090.4(COL3A1):c.1455+4C>T

Gene: COL3A1 (collagen type III alpha 1 chain; plus strand). Cytogenetic location: 2q32.2.
Variant type: single nucleotide variant.
Coding change: c.1455+4C>T on transcript NM_000090.4 (MANE Select); 4 bases into the intron after coding-DNA position 1455, C replaced by T.
Molecular consequence: intron variant.
Genome position (GRCh38, 1-based): chr2:188,994,835, C>T. VCF-style: chr2-188994835-C-T. GRCh37 (hg19) VCF-style: chr2-189859561-C-T.
Identifiers: ClinVar variation 827995 (VCV000827995.5), dbSNP rs1422454033, ClinGen allele CA762195685.

ClinVar aggregate classification (germline): Uncertain significance. Review status: criteria provided, multiple submitters, no conflicts (2 of 4 stars). 3 submissions from 2 submitters: Uncertain significance (3). Last evaluated 2024-11-10.

Conditions:
Polymicrogyria with or without vascular-type Ehlers-Danlos syndrome. Identifiers: Orphanet 636941, MedGen C5193040, MONDO:0032688, OMIM 618343.
Ehlers-Danlos syndrome, type 4 (EDSVASC). Also called: Ehlers-Danlos Syndrome Type IV; Ehlers-Danlos syndrome vascular type; Ehlers Danlos syndrome, ecchymotic type; Ehlers Danlos syndrome, arterial type; Ehlers Danlos syndrome, Sack-Barabas type. Identifiers: Orphanet 286, MedGen C0268338, MONDO:0017314, OMIM 130050.

Allele frequency attached by ClinVar (database versions not stated): gnomAD exomes below 0.00001; TOPMed 0.00001.
gnomAD v4.1: 6 of 1,612,690 alleles (0.00037%); highest among the groups gnomAD compares: South Asian, 0.0033%; no homozygotes.

Submissions (3):

Labcorp Genetics (formerly Invitae), Labcorp
Classification: Uncertain significance for Ehlers-Danlos syndrome, type 4. Last evaluated: 2024-11-10. Review status: criteria provided, single submitter. Criteria: Invitae Variant Classification Sherloc (09022015). Collection method: clinical testing. Allele origin: germline.
Comment: This sequence change falls in intron 20 of the COL3A1 gene. It does not directly change the encoded amino acid sequence of the COL3A1 protein. It affects a nucleotide within the consensus splice site. This variant is not present in population databases (gnomAD no frequency). This variant has not been reported in the literature in individuals affected with COL3A1-related conditions. ClinVar contains an entry for this variant (Variation ID: 827995). Variants that disrupt the consensus splice site are a relatively common cause of aberrant splicing (PMID: 17576681, 9536098). Algorithms developed to predict the effect of sequence changes on RNA splicing suggest that this variant is not likely to affect RNA splicing. In summary, the available evidence is currently insufficient to determine the role of this variant in disease. Therefore, it has been classified as a Variant of Uncertain Significance.

Center for Genomics, Ann and Robert H. Lurie Children's Hospital of Chicago
Classification: Uncertain significance for Ehlers-Danlos syndrome, type 4. Last evaluated: 2019-10-02. Review status: criteria provided, single submitter. Criteria: ACMG Guidelines, 2015. Collection method: clinical testing. Allele origin: germline.
Comment: COL3A1 NM_000090.3 exon 20 c.1455+4C>T: This variant has not been reported in the literature and is not present in large control databases. Evolutionary conservation and computational predictive tools for this variant are limited or unavailable. Although this variant occurs in the splice region, computational prediction tools do not suggest that it may alter splicing. However, further studies are needed to understand its impact. In summary, data on this variant is insufficient for disease classification. Therefore, the clinical significance of this variant is uncertain.

Center for Genomics, Ann and Robert H. Lurie Children's Hospital of Chicago
Classification: Uncertain significance for Ehlers-Danlos syndrome, type 4; Polymicrogyria with or without vascular-type Ehlers-Danlos syndrome. Review status: criteria provided, single submitter. Criteria: ACMG Guidelines, 2015. Collection method: clinical testing. Allele origin: germline.
Comment: COL3A1 NM_000090.3 exon 20 c.1455+4C>T: This variant has not been reported in the literature and is not present in large control databases. Evolutionary conservation and computational predictive tools for this variant are limited or unavailable. Although this variant occurs in the splice region, computational prediction tools do not suggest that it may alter splicing. However, further studies are needed to understand its impact. In summary, data on this variant is insufficient for disease classification. Therefore, the clinical significance of this variant is uncertain

Literature cited by the submitters: PubMed 17576681 (cited by Labcorp Genetics (formerly Invitae), Labcorp); PubMed 9536098 (cited by Labcorp Genetics (formerly Invitae), Labcorp).